The following is an entry in ClinVar:

ClinVar aggregate classification (germline): Likely benign. Review status: criteria provided, multiple submitters, no conflicts (2 of 4 stars). 2 submissions from 2 submitters: Likely benign (2). Last evaluated 2026-06-15.

Conditions:
ERBB3-related disorder. Also called: ERBB3-related condition.

gnomAD v4.1: 1 of 1,613,920 alleles (0.000062%); highest among the groups gnomAD compares: African/African-American, 0.0013%; no homozygotes.

Submissions (2):

PreventionGenetics, part of Exact Sciences
Classification: Likely benign for ERBB3-related condition. Last evaluated: 2026-06-15. Review status: criteria provided, single submitter. Criteria: ACMG Guidelines, 2015. Collection method: clinical testing. Allele origin: germline.
Comment: This variant is classified as likely benign based on ACMG/AMP sequence variant interpretation guidelines (Richards et al. 2015 PMID: 25741868, with internal and published modifications).

Labcorp Genetics (formerly Invitae), Labcorp
Classification: Likely benign. Last evaluated: 2026-01-28. Review status: criteria provided, single submitter. Criteria: Invitae Variant Classification Sherloc (09022015). Collection method: clinical testing. Allele origin: germline.

NM_001982.4(ERBB3):c.120C>A (p.Gly40=)

Gene: ERBB3 (erb-b2 receptor tyrosine kinase 3; plus strand). Cytogenetic location: 12q13.2.
Variant type: single nucleotide variant.
Coding change: c.120C>A on transcript NM_001982.4 (MANE Select); coding-DNA position 120, C replaced by A.
Protein change: p.Gly40=; no amino-acid change (glycine 40 retained).
Molecular consequence: synonymous variant.
Genome position (GRCh38, 1-based): chr12:56,083,788, C>A. VCF-style: chr12-56083788-C-A. GRCh37 (hg19) VCF-style: chr12-56477572-C-A.
Other names: c.120C>A, p.Gly40= (NM_001005915.1).
Identifiers: ClinVar variation 4775249 (VCV004775249.2).
Genomic context (GRCh38, chr12:56,083,788, plus strand): 5'-ACTCTTCCCTCTGCTTTGAACAGTGTGTCCTGGGACTCTGAATGGCCTGAGTGTGACCGG[C>A]GATGCTGAGAACCAATACCAGACACTGTACAAGCTCTACGAGAGGTGTGAGGTGGTGATG-3'
Protein context (NP_001973.2, residues 30-50): PGTLNGLSVT[Gly40=]DAENQYQTLY